The following is an entry in ClinVar:

NM_000051.4(ATM):c.206A>T (p.Gln69Leu)

Gene: ATM (ATM serine/threonine kinase; plus strand). Cytogenetic location: 11q22.3.
Variant type: single nucleotide variant.
Coding change: c.206A>T on transcript NM_000051.4 (MANE Select); coding-DNA position 206, A replaced by T.
Protein change: p.Gln69Leu; replaces glutamine 69 with leucine.
Molecular consequence: missense variant.
Genome position (GRCh38, 1-based): chr11:108,229,198, A>T. VCF-style: chr11-108229198-A-T. GRCh37 (hg19) VCF-style: chr11-108099925-A-T.
Other names: c.206A>T, p.Gln69Leu (NM_001351834.2, NM_001351835.2, NM_001351836.2); short protein forms Q69L.
Identifiers: ClinVar variation 4777589 (VCV004777589.1).

ClinVar aggregate classification (germline): Uncertain significance (1 of 4 stars; one submission).

Conditions:
Ataxia-telangiectasia syndrome (AT). Also called: Ataxia-telangiectasia; Ataxia-telangiectasia, complementation group D; Ataxia telangiectasia (A-T); LOUIS-BAR SYNDROME; AT, COMPLEMENTATION GROUP C; ATAXIA-TELANGIECTASIA, COMPLEMENTATION GROUP A. Identifiers: Orphanet 100, MedGen C0004135, MONDO:0008840, OMIM 208900.

Submission:

Labcorp Genetics (formerly Invitae), Labcorp
Classification: Uncertain significance for Ataxia-telangiectasia syndrome. Last evaluated: 2025-12-18. Review status: criteria provided, single submitter. Criteria: Invitae Variant Classification Sherloc (09022015). Collection method: clinical testing. Allele origin: germline.
Comment: This sequence change replaces glutamine, which is neutral and polar, with leucine, which is neutral and non-polar, at codon 69 of the ATM protein (p.Gln69Leu). This variant is not present in population databases (gnomAD no frequency). This variant has not been reported in the literature in individuals affected with ATM-related conditions. Invitae Evidence Modeling of protein sequence and biophysical properties (such as structural, functional, and spatial information, amino acid conservation, physicochemical variation, residue mobility, and thermodynamic stability) indicates that this missense variant is not expected to disrupt ATM protein function with a negative predictive value of 95%. In summary, the available evidence is currently insufficient to determine the role of this variant in disease. Therefore, it has been classified as a Variant of Uncertain Significance.